The following is an entry in ClinVar:

ClinVar aggregate classification (germline): Uncertain significance (1 of 4 stars; one submission).

Conditions:
Glycogen storage disease type III (GSD3). Also called: FORBES DISEASE; Cori disease. Identifiers: Orphanet 366, MedGen C0017922, MONDO:0009291, OMIM 232400.

Allele frequency attached by ClinVar (database versions not stated): TOPMed below 0.00001; gnomAD 0.00001.
gnomAD v4.1: 2 of 1,613,790 alleles (0.00012%); highest among the groups gnomAD compares: African/African-American, 0.0013%; no homozygotes.

Submission:

Labcorp Genetics (formerly Invitae), Labcorp
Classification: Uncertain significance for Glycogen storage disease type III. Last evaluated: 2021-08-27. Review status: criteria provided, single submitter. Criteria: Invitae Variant Classification Sherloc (09022015). Collection method: clinical testing. Allele origin: germline.
Comment: This sequence change replaces glycine with arginine at codon 655 of the AGL protein (p.Gly655Arg). The glycine residue is highly conserved and there is a moderate physicochemical difference between glycine and arginine. This variant is not present in population databases (ExAC no frequency). This variant has not been reported in the literature in individuals affected with AGL-related conditions. Algorithms developed to predict the effect of missense changes on protein structure and function are either unavailable or do not agree on the potential impact of this missense change (SIFT: "Deleterious"; PolyPhen-2: "Probably Damaging"; Align-GVGD: "Class C0"). Experimental studies have shown that this missense change affects AGL function (PMID: 27088557). In summary, the available evidence is currently insufficient to determine the role of this variant in disease. Therefore, it has been classified as a Variant of Uncertain Significance.

Literature cited by the submitters: PubMed 27088557.

NM_000642.3(AGL):c.1963G>A (p.Gly655Arg)

Gene: AGL (amylo-alpha-1,6-glucosidase and 4-alpha-glucanotransferase; plus strand). Cytogenetic location: 1p21.2.
Variant type: single nucleotide variant.
Coding change: c.1963G>A on transcript NM_000642.3 (MANE Select); coding-DNA position 1963, G replaced by A.
Protein change: p.Gly655Arg; replaces glycine 655 with arginine.
Molecular consequence: missense variant.
Genome position (GRCh38, 1-based): chr1:99,881,139, G>A. VCF-style: chr1-99881139-G-A. GRCh37 (hg19) VCF-style: chr1-100346695-G-A.
Other names: c.1915G>A, p.Gly639Arg (NM_000646.3); c.1963G>A, p.Gly655Arg (NM_001425325.1, NM_001425326.1, NM_000028.3 and 2 more transcripts); c.1762G>A, p.Gly588Arg (NM_001425327.1); c.1759G>A, p.Gly587Arg (NM_001425328.1, NM_001425329.1); c.1585G>A, p.Gly529Arg (NM_001425332.1); short protein forms G639R, G655R, G529R, G587R, G588R.
Identifiers: ClinVar variation 1355298 (VCV001355298.5), dbSNP rs1651984153, ClinGen allele CA341318143.
Genomic context (GRCh38, chr1:99,881,139, plus strand): 5'-AGATCAGCGTATGATGCTCTTCCAAGTACTACAATTGTTTCTATGGCATGTTGTGCTAGT[G>A]GAAGTACAAGAGGCTATGATGAATTAGTGCCTCATCAGGTTTGTTTATATGTTGTTTCTT-3'
Protein context (NP_000633.2, residues 645-665): TIVSMACCAS[Gly655Arg]STRGYDELVP